The following is an entry in ClinVar:

ClinVar aggregate classification (germline): Conflicting classifications of pathogenicity. Review status: criteria provided, conflicting classifications (1 of 4 stars). 9 submissions from 9 submitters: Uncertain significance (7); Likely benign (2). Last evaluated 2026-02-12.

Conditions:
SH3TC2-related disorder. Also called: SH3TC2-related condition; SH3TC2-related disorders. Identifiers: MedGen CN239303.
Inborn genetic diseases. Identifiers: MedGen C0950123, MeSH D030342.
Charcot-Marie-Tooth disease. Also called: Charcot-Marie-Tooth Neuropathy; Charcot-Marie-Tooth Hereditary Neuropathy. Identifiers: Orphanet 166, MedGen C0007959, MONDO:0015626.
Susceptibility to mononeuropathy of the median nerve, mild. Also called: CARPAL TUNNEL SYNDROME, SUSCEPTIBILITY TO. Identifiers: MedGen C3150596, MONDO:0013237, OMIM 613353.
Charcot-Marie-Tooth disease type 4C (CMT4C). Also called: CHARCOT-MARIE-TOOTH DISEASE, DEMYELINATING, AUTOSOMAL RECESSIVE, TYPE 4C; CMT 4C; Charcot-Marie-Tooth Neuropathy Type 4C (CMT4C); CHARCOT-MARIE-TOOTH DISEASE, DEMYELINATING, TYPE 4C; SH3TC2-Related Hereditary Motor and Sensory Neuropathy. Identifiers: Orphanet 99949, MedGen C1866636, MONDO:0011113, OMIM 601596.
Charcot-Marie-Tooth disease type 4. Also called: Charcot-Marie-Tooth, Type 4; Charcot-Marie-Tooth disease, type IV. Identifiers: Orphanet 64749, MedGen C4082197, MONDO:0018995.

Allele frequency attached by ClinVar (database versions not stated): gnomAD 0.00016 and 0.00019; TOPMed 0.00016; ExAC 0.00030; gnomAD exomes 0.00035 and 0.00048; 1000 Genomes Project 0.00040; 1000 Genomes Project 30x 0.00047.
gnomAD v4.1: 723 of 1,614,138 alleles (0.045%); highest among the groups gnomAD compares: South Asian, 0.21%; 1 homozygote.

Submissions (9):

GeneDx
Classification: Uncertain significance. Last evaluated: 2026-02-12. Review status: criteria provided, single submitter. Criteria: GeneDx Variant Classification Process June 2021. Collection method: clinical testing. Allele origin: germline. Affected: yes.
Comment: Reported previously as a variant of uncertain significance in patients with suspected Charcot-Marie-Tooth disease; however, no additional clinical or segregation information was provided (PMID: 32376792); In silico analysis supports that this missense variant has a deleterious effect on protein structure/function; This variant is associated with the following publications: (PMID: 32376792, Rahman2021[CaseReport])

Labcorp Genetics (formerly Invitae), Labcorp
Classification: Likely benign for Charcot-Marie-Tooth disease type 4. Last evaluated: 2026-01-20. Review status: criteria provided, single submitter. Criteria: Invitae Variant Classification Sherloc (09022015). Collection method: clinical testing. Allele origin: germline.

Ambry Genetics
Classification: Uncertain significance for Inborn genetic diseases. Last evaluated: 2025-06-24. Review status: criteria provided, single submitter. Criteria: Ambry Variant Classification Scheme 2023. Collection method: clinical testing. Allele origin: germline.
Comment: The c.2954A>G (p.E985G) alteration is located in exon 12 (coding exon 12) of the SH3TC2 gene. This alteration results from a A to G substitution at nucleotide position 2954, causing the glutamic acid (E) at amino acid position 985 to be replaced by a glycine (G). The alteration has been observed in population databases: Based on data from the Genome Aggregation Database (gnomAD), the c.2954A>G alteration was observed in 0.03% (92/282,880) of total alleles studied. The altered amino acid is conserved throughout evolution: The p.E985 amino acid is conserved in available vertebrate species. The alteration is predicted deleterious by in silico modeling: The p.E985G alteration is predicted to be deleterious by in silico analysis. Based on insufficient or conflicting evidence, the clinical significance of this alteration remains unclear.

PreventionGenetics, part of Exact Sciences
Classification: Likely benign for SH3TC2-related condition. Last evaluated: 2025-05-21. Review status: criteria provided, single submitter. Criteria: ACMG Guidelines, 2015. Collection method: clinical testing. Allele origin: germline.
Comment: This variant is classified as likely benign based on ACMG/AMP sequence variant interpretation guidelines (Richards et al. 2015 PMID: 25741868, with internal and published modifications).

CeGaT Center for Human Genetics Tuebingen
Classification: Uncertain significance. Last evaluated: 2024-04-01. Review status: criteria provided, single submitter. Criteria: CeGaT Center For Human Genetics Tuebingen Variant Classification Criteria Version 2. Collection method: clinical testing. Allele origin: germline. Affected: yes. Observed: 1 variant allele.

Athena Diagnostics
Classification: Uncertain significance. Last evaluated: 2022-11-21. Review status: criteria provided, single submitter. Criteria: Athena Diagnostics Criteria. Collection method: clinical testing. Allele origin: unknown.
Comment: Available data are insufficient to determine the clinical significance of the variant at this time. The frequency of this variant in the general population is uninformative in assessment of its pathogenicity. Computational tools predict that this variant is damaging.

Fulgent Genetics
Classification: Uncertain significance for Charcot-Marie-Tooth disease type 4C; Susceptibility to mononeuropathy of the median nerve, mild. Last evaluated: 2021-10-26. Review status: criteria provided, single submitter. Criteria: ACMG Guidelines, 2015. Collection method: clinical testing. Allele origin: unknown.

ARUP Laboratories, Molecular Genetics and Genomics, ARUP Laboratories
Classification: Uncertain significance. Last evaluated: 2016-09-21. Review status: criteria provided, single submitter. Criteria: ARUP Molecular Germline Variant Investigation Process. Collection method: clinical testing. Allele origin: germline.

Molecular Genetics Laboratory, London Health Sciences Centre
Classification: Uncertain significance for Charcot-Marie-Tooth disease. Review status: criteria provided, single submitter. Criteria: ACMG Guidelines, 2015. Collection method: clinical testing. Allele origin: germline. Affected: yes.

Literature cited by the submitters: PubMed 32376792 (cited by Athena Diagnostics); PubMed 34049139 (cited by Athena Diagnostics).

NM_024577.4(SH3TC2):c.2954A>G (p.Glu985Gly)

Gene: SH3TC2 (SH3 domain and tetratricopeptide repeats 2; minus strand). Cytogenetic location: 5q32.
Variant type: single nucleotide variant.
Coding change: c.2954A>G on transcript NM_024577.4 (MANE Select); coding-DNA position 2954, A replaced by G.
Protein change: p.Glu985Gly; replaces glutamic acid 985 with glycine.
Molecular consequence: missense variant.
Genome position (GRCh38, 1-based): chr5:149,026,671, T>C on the plus strand (A>G on the coding strand, the complement: SH3TC2 is on the minus strand). VCF-style: chr5-149026671-T-C. GRCh37 (hg19) VCF-style: chr5-148406234-T-C.
Other names: short protein forms E985G.
Identifiers: ClinVar variation 246193 (VCV000246193.48), dbSNP rs575937427, ClinGen allele CA3498889.